The following is an entry in ClinVar:

NM_000059.4(BRCA2):c.3122G>A (p.Ser1041Asn)

Gene: BRCA2 (BRCA2 DNA repair associated; plus strand). Cytogenetic location: 13q13.1.
Variant type: single nucleotide variant.
Coding change: c.3122G>A on transcript NM_000059.4 (MANE Select); coding-DNA position 3122, G replaced by A.
Protein change: p.Ser1041Asn; replaces serine 1041 with asparagine.
Molecular consequence: missense variant.
Genome position (GRCh38, 1-based): chr13:32,337,477, G>A. VCF-style: chr13-32337477-G-A. GRCh37 (hg19) VCF-style: chr13-32911614-G-A.
Other names: short protein forms S1041N.
Identifiers: ClinVar variation 51401 (VCV000051401.3), dbSNP rs276174832, ClinGen allele CA017273.

ClinVar aggregate classification (germline): Likely benign. Review status: criteria provided, single submitter (1 of 4 stars). 2 submissions from 2 submitters: Likely benign (1). 1 of the submissions does not count toward it. Last evaluated 2023-03-23.

Conditions:
Breast-ovarian cancer, familial, susceptibility to, 2 (BROVCA2). Also called: BRCA2 Hereditary Breast and Ovarian Cancer. Identifiers: Orphanet 145, MedGen C2675520, MONDO:0012933, OMIM 612555. Disease mechanism: loss of function.
Hereditary cancer-predisposing syndrome. Also called: Neoplastic Syndromes, Hereditary; Tumor predisposition; Hereditary Cancer Syndrome; Hereditary neoplastic syndrome. Identifiers: Orphanet 140162, MedGen C0027672, MeSH D009386, MONDO:0015356.

Submissions (2):

University of Washington Department of Laboratory Medicine, University of Washington
Classification: Likely benign for Hereditary cancer-predisposing syndrome. Last evaluated: 2023-03-23. Review status: criteria provided, single submitter. Criteria: Dines et al. (Genet Med. 2020). Collection method: curation. Allele origin: germline.
Comment: Missense variant in a coldspot region where missense variants are very unlikely to be pathogenic (PMID:31911673).

BRCA2 exon 11 coldspot. Reclassification based on statistical prior probability.

Breast Cancer Information Core (BIC) (BRCA2)
Classification: Uncertain significance for Breast-ovarian cancer, familial 2. Last evaluated: 2010-12-17. Review status: no assertion criteria provided. Collection method: clinical testing. Allele origin: germline. Affected: yes. Observed: 1 variant allele. Not counted in ClinVar's aggregate classification.